The following is an entry in ClinVar:

NM_000660.7(TGFB1):c.454C>T (p.Arg152Trp)

Gene: TGFB1 (transforming growth factor beta 1; minus strand). Cytogenetic location: 19q13.2.
Variant type: single nucleotide variant.
Coding change: c.454C>T on transcript NM_000660.7 (MANE Select); coding-DNA position 454, C replaced by T.
Protein change: p.Arg152Trp; replaces arginine 152 with tryptophan.
Molecular consequence: missense variant.
Genome position (GRCh38, 1-based): chr19:41,348,357, G>A on the plus strand (C>T on the coding strand, the complement: TGFB1 is on the minus strand). VCF-style: chr19-41348357-G-A. GRCh37 (hg19) VCF-style: chr19-41854262-G-A.
Other names: short protein forms R152W.
Identifiers: ClinVar variation 1908270 (VCV001908270.29), dbSNP rs201405597, ClinGen allele CA9460089.

ClinVar aggregate classification (germline): Uncertain significance. Review status: criteria provided, multiple submitters, no conflicts (2 of 4 stars). 2 submissions from 2 submitters: Uncertain significance (2). Last evaluated 2024-07-01.

Allele frequency attached by ClinVar (database versions not stated): TOPMed below 0.00001; gnomAD 0.00003; gnomAD exomes 0.00004; ExAC 0.00008.
gnomAD v4.1: 59 of 1,613,438 alleles (0.0037%); highest among the groups gnomAD compares: South Asian, 0.055%; no homozygotes.

Submissions (2):

Labcorp Genetics (formerly Invitae), Labcorp
Classification: Uncertain significance. Last evaluated: 2024-07-01. Review status: criteria provided, single submitter. Criteria: Invitae Variant Classification Sherloc (09022015). Collection method: clinical testing. Allele origin: germline.
Comment: This sequence change replaces arginine, which is basic and polar, with tryptophan, which is neutral and slightly polar, at codon 152 of the TGFB1 protein (p.Arg152Trp). This variant is present in population databases (rs201405597, gnomAD 0.06%). This variant has not been reported in the literature in individuals affected with TGFB1-related conditions. ClinVar contains an entry for this variant (Variation ID: 1908270). Advanced modeling of protein sequence and biophysical properties (such as structural, functional, and spatial information, amino acid conservation, physicochemical variation, residue mobility, and thermodynamic stability) has been performed at Invitae for this missense variant, however the output from this modeling did not meet the statistical confidence thresholds required to predict the impact of this variant on TGFB1 protein function. In summary, the available evidence is currently insufficient to determine the role of this variant in disease. Therefore, it has been classified as a Variant of Uncertain Significance.

CeGaT Center for Human Genetics Tuebingen
Classification: Uncertain significance. Last evaluated: 2022-04-01. Review status: criteria provided, single submitter. Criteria: CeGaT Center For Human Genetics Tuebingen Variant Classification Criteria Version 2. Collection method: clinical testing. Allele origin: germline. Affected: yes. Observed: 1 variant allele.